The following is an entry in ClinVar:

ClinVar aggregate classification (germline): Uncertain significance. Review status: criteria provided, multiple submitters, no conflicts (2 of 4 stars). 3 submissions from 3 submitters: Uncertain significance (3). Last evaluated 2025-09-14.

Conditions:
Age related macular degeneration 1 (ARMD1). Also called: MACULOPATHY, AGE-RELATED, 1. Identifiers: MedGen C1864205, MONDO:0011285, OMIM 603075.

Allele frequency attached by ClinVar (database versions not stated): gnomAD exomes below 0.00001; gnomAD 0.00006; TOPMed 0.00009; 1000 Genomes Project 30x 0.00016; 1000 Genomes Project 0.00020.
gnomAD v4.1: 15 of 1,612,686 alleles (0.00093%); highest among the groups gnomAD compares: Admixed American, 0.018%; no homozygotes.

Submissions (3):

Labcorp Genetics (formerly Invitae), Labcorp
Classification: Uncertain significance. Last evaluated: 2025-09-14. Review status: criteria provided, single submitter. Criteria: Invitae Variant Classification Sherloc (09022015). Collection method: clinical testing. Allele origin: germline.
Comment: This sequence change replaces lysine, which is basic and polar, with asparagine, which is neutral and polar, at codon 2308 of the HMCN1 protein (p.Lys2308Asn). This variant is present in population databases (rs200205219, gnomAD 0.003%). This variant has not been reported in the literature in individuals affected with HMCN1-related conditions. ClinVar contains an entry for this variant (Variation ID: 2418125). An algorithm developed to predict the effect of missense changes on protein structure and function (PolyPhen-2) suggests that this variant is likely to be disruptive. In summary, the available evidence is currently insufficient to determine the role of this variant in disease. Therefore, it has been classified as a Variant of Uncertain Significance.

Ambry Genetics
Classification: Uncertain significance. Last evaluated: 2025-09-04. Review status: criteria provided, single submitter. Criteria: Ambry Variant Classification Scheme 2023. Collection method: clinical testing. Allele origin: germline.

Genome-Nilou Lab
Classification: Uncertain significance for Age related macular degeneration 1. Last evaluated: 2023-04-11. Review status: criteria provided, single submitter. Criteria: ACMG Guidelines, 2015. Collection method: clinical testing. Allele origin: germline. Affected: no.

NM_031935.3(HMCN1):c.6924G>C (p.Lys2308Asn)

Gene: HMCN1 (hemicentin 1; plus strand). Cytogenetic location: 1q31.1.
Variant type: single nucleotide variant.
Coding change: c.6924G>C on transcript NM_031935.3 (MANE Select); coding-DNA position 6924, G replaced by C.
Protein change: p.Lys2308Asn; replaces lysine 2308 with asparagine.
Molecular consequence: missense variant.
Genome position (GRCh38, 1-based): chr1:186,055,454, G>C. VCF-style: chr1-186055454-G-C. GRCh37 (hg19) VCF-style: chr1-186024586-G-C.
Other names: c.6924G>C (NM_031935.2); short protein forms K2308N.
Identifiers: ClinVar variation 2418125 (VCV002418125.11), dbSNP rs200205219, ClinGen allele CA33480237.
Genomic context (GRCh38, chr1:186,055,454, plus strand): 5'-TAGACCAACCATAACCAACAGTGGCAGCCACCCTACTGAAATTATTGTGACCCGAGGGAA[G>C]AGTATCTCCTTGGAGTGTGAGGTGCAGGGTATTCCACCACCAACAGTGACCTGGATGAAA-3'
Protein context (NP_114141.2, residues 2298-2318): HPTEIIVTRG[Lys2308Asn]SISLECEVQG